The following is an entry in ClinVar:

ClinVar aggregate classification (germline): Uncertain significance (1 of 4 stars; one submission).

Conditions:
Intellectual developmental disorder, autosomal dominant 65. Also called: MENTAL RETARDATION, AUTOSOMAL DOMINANT 65. Identifiers: MedGen C5543371, MONDO:0023657, OMIM 619320.

gnomAD v4.1: 1 of 1,608,590 alleles (0.000062%); highest among the groups gnomAD compares: Non-Finnish European, 0.000085%; no homozygotes.

Submission:

Neuberg Centre For Genomic Medicine, NCGM
Classification: Uncertain significance for Intellectual developmental disorder, autosomal dominant 65. Last evaluated: 2023-07-22. Review status: criteria provided, single submitter. Criteria: ACMG Guidelines, 2015. Collection method: clinical testing. Allele origin: germline. Inheritance: Autosomal dominant inheritance. Affected: yes.
Comment: The observed missense c.1483G>Ap.Ala495Thr variant in KDM4B gene has not been reported previously as a pathogenic variant nor as a benign variant, to our knowledge. This variant is absent in gnomAD Exomes. The amino acid Ala at position 495 is changed to a Thr changing protein sequence and it might alter its composition and physico-chemical properties. Computational evidence Polyphen - Benign, SIFT - Tolerated, and MutationTaster - Polymorphism predicts conflicting evidence on protein structure and function for this variant. For these reasons, this variant has been classified as Uncertain Significance.

NM_015015.3(KDM4B):c.1483G>A (p.Ala495Thr)

Gene: KDM4B (lysine demethylase 4B; plus strand). Cytogenetic location: 19p13.3.
Variant type: single nucleotide variant.
Coding change: c.1483G>A on transcript NM_015015.3 (MANE Select); coding-DNA position 1483, G replaced by A.
Protein change: p.Ala495Thr; replaces alanine 495 with threonine.
Molecular consequence: missense variant.
Genome position (GRCh38, 1-based): chr19:5,131,243, G>A. VCF-style: chr19-5131243-G-A. GRCh37 (hg19) VCF-style: chr19-5131254-G-A.
Other names: c.1585G>A, p.Ala529Thr (NM_001411148.1); short protein forms A495T, A529T.
Identifiers: ClinVar variation 3391204 (VCV003391204.1).